The following is an entry in ClinVar:

NM_001165963.4(SCN1A):c.4002+2128G>T

Genes: SCN1A (sodium voltage-gated channel alpha subunit 1; minus strand), LOC102724058 (uncharacterized LOC102724058; plus strand). Cytogenetic location: 2q24.3.
Variant type: single nucleotide variant.
Coding change: c.4002+2128G>T on transcript NM_001165963.4 (MANE Select); 2128 bases into the intron after coding-DNA position 4002, G replaced by T.
Molecular consequence: intron variant.
Genome position (GRCh38, 1-based): chr2:166,007,591, C>A on the plus strand (G>T on the coding strand, the complement: SCN1A is on the minus strand). VCF-style: chr2-166007591-C-A. GRCh37 (hg19) VCF-style: chr2-166864101-C-A.
Other names: c.4002+2128G>T (NM_001202435.3, NM_001353948.2); c.3966+2128G>T (NM_001353955.2, NM_001353954.2); c.3918+2128G>T (NM_001353957.2, NM_001165964.3, NM_001353958.2); c.3969+2128G>T (NM_001353951.2, NM_001353952.2, NM_006920.6 and 2 more transcripts); c.3915+2128G>T (NM_001353960.2); c.1560+2128G>T (NM_001353961.2).
Identifiers: ClinVar variation 1912474 (VCV001912474.5), dbSNP rs1691829079, ClinGen allele CA1304846380.

ClinVar aggregate classification (germline): Uncertain significance (1 of 4 stars; one submission).

Conditions:
Early-infantile DEE. Also called: Early infantile epileptic encephalopathy; Ohtahara syndrome; Early infantile epileptic encephalopathy with suppression bursts. Identifiers: Orphanet 1934, MedGen C0393706, MONDO:0800491.

Allele frequency attached by ClinVar (database versions not stated): TOPMed below 0.00001.

Submission:

Labcorp Genetics (formerly Invitae), Labcorp
Classification: Uncertain significance for Early-infantile DEE. Last evaluated: 2024-05-15. Review status: criteria provided, single submitter. Criteria: Invitae Variant Classification Sherloc (09022015). Collection method: clinical testing. Allele origin: germline.
Comment: This sequence change falls in intron 20 of the SCN1A gene. It does not directly change the encoded amino acid sequence of the SCN1A protein. However, this sequence change falls within a region encompassing a cryptic exon in the SCN1A gene, in which variants have been shown to alter splicing (PMID: 30526861, 34107977). This variant is not present in population databases (gnomAD no frequency). This variant has been observed in individual(s) with seizures (Invitae). ClinVar contains an entry for this variant (Variation ID: 1912474). Algorithms developed to predict the effect of sequence changes on RNA splicing suggest that this variant is not likely to affect RNA splicing. In summary, the available evidence is currently insufficient to determine the role of this variant in disease. Therefore, it has been classified as a Variant of Uncertain Significance.

Literature cited by the submitters: PubMed 30526861; PubMed 34107977.